The following is an entry in ClinVar:

ClinVar aggregate classification (germline): Likely benign (1 of 4 stars; one submission).

gnomAD v4.1: 1 of 1,614,094 alleles (0.000062%); highest among the groups gnomAD compares: Non-Finnish European, 0.000085%; no homozygotes.

Submission:

Mayo Clinic Laboratories, Mayo Clinic
Classification: Likely benign. Last evaluated: 2025-01-08. Review status: criteria provided, single submitter. Criteria: ACMG Guidelines, 2015. Collection method: clinical testing. Allele origin: germline. Observed: 1 variant allele.
Comment: BP4, BP7

NM_006929.5(SKIC2):c.1134G>A (p.Gly378=)

Genes: SKIC2 (SKI2 subunit of superkiller complex; plus strand), LOC126859653 (CDK7 strongly-dependent group 2 enhancer GRCh37_chr6:31929542-31930741; plus strand). Cytogenetic location: 6p21.33.
Variant type: single nucleotide variant.
Coding change: c.1134G>A on transcript NM_006929.5 (MANE Select); coding-DNA position 1134, G replaced by A.
Protein change: p.Gly378=; no amino-acid change (glycine 378 retained).
Molecular consequence: synonymous variant.
Genome position (GRCh38, 1-based): chr6:31,962,508, G>A. VCF-style: chr6-31962508-G-A. GRCh37 (hg19) VCF-style: chr6-31930285-G-A.
Other names: p.Gly378=.
Identifiers: ClinVar variation 4684922 (VCV004684922.1).